The following is an entry in ClinVar:

NM_000540.3(RYR1):c.3697G>A (p.Val1233Ile)

Gene: RYR1 (ryanodine receptor 1; plus strand). Cytogenetic location: 19q13.2.
Variant type: single nucleotide variant.
Coding change: c.3697G>A on transcript NM_000540.3 (MANE Select); coding-DNA position 3697, G replaced by A.
Protein change: p.Val1233Ile; replaces valine 1233 with isoleucine.
Molecular consequence: missense variant.
Genome position (GRCh38, 1-based): chr19:38,469,445, G>A. VCF-style: chr19-38469445-G-A. GRCh37 (hg19) VCF-style: chr19-38960085-G-A.
Other names: c.3697G>A, p.Val1233Ile (NM_001042723.2); short protein forms V1233I.
Identifiers: ClinVar variation 3070591 (VCV003070591.1), dbSNP rs2514117560, ClinGen allele CA405639657.

ClinVar aggregate classification (germline): Uncertain significance (1 of 4 stars; one submission).

Conditions:
Malignant hyperthermia, susceptibility to, 1 (MHS1). Also called: Anesthesia related hyperthermia; Malignant hyperpyrexia; Fulminating hyperpyrexia; Pharmacogenic myopathy; RYR1-Related Malignant Hyperthermia Susceptibility; Malignant hyperthermia suceptibility 1. Identifiers: Orphanet 423, MedGen C2930980, MONDO:0007783, OMIM 145600.

Allele frequency attached by ClinVar (database versions not stated): gnomAD exomes below 0.00001.
gnomAD v4.1: 1 of 1,614,088 alleles (0.000062%); highest among the groups gnomAD compares: Non-Finnish European, 0.000085%; no homozygotes.

Submission:

All of Us Research Program, National Institutes of Health
Classification: Uncertain significance for Malignant hyperthermia, susceptibility to, 1. Last evaluated: 2023-04-27. Review status: criteria provided, single submitter. Criteria: ACMG Guidelines, 2015. Collection method: clinical testing. Allele origin: germline. Inheritance: Autosomal dominant inheritance. Observed: 1 variant allele, 1 heterozygote.
Comment: This study involves interpretation of variants in research participants for the purpose of population health screening. Participant phenotype was not available at the time of variant classification. Additional details can be found in publication PMID: 35346344, PMCID: PMC8962531